The following is an entry in ClinVar:

NM_201548.5(CERKL):c.619G>A (p.Glu207Lys)

Gene: CERKL (CERK like autophagy regulator; minus strand). Cytogenetic location: 2q31.3.
Variant type: single nucleotide variant.
Coding change: c.619G>A on transcript NM_201548.5 (MANE Select); coding-DNA position 619, G replaced by A.
Protein change: p.Glu207Lys; replaces glutamic acid 207 with lysine.
Molecular consequence: missense variant. On other transcripts: intron variant (2).
Genome position (GRCh38, 1-based): chr2:181,566,116, C>T on the plus strand (G>A on the coding strand, the complement: CERKL is on the minus strand). VCF-style: chr2-181566116-C-T. GRCh37 (hg19) VCF-style: chr2-182430843-C-T.
Other names: c.619G>A, p.Glu207Lys (NM_001030311.3); c.487G>A, p.Glu163Lys (NM_001160277.2); c.482-16408G>A (NM_001030312.3); c.613+7637G>A (NM_001030313.3); short protein forms E163K, E207K.
Identifiers: ClinVar variation 2167542 (VCV002167542.1), dbSNP rs148109138, ClinGen allele CA2010748.
Genomic context (GRCh38, chr2:181,566,116, plus strand): 5'-ACCCATCAAATCCCTGGAGTTCACATTCCTTAAGCAGTGACAGAGCGTGCCCTTCATATT[C>T]CATTACTATTAAAAAAACACACACACATACACAAAGTGACAGTTTTAAACAATGATCACA-3'
Protein context (NP_963842.1, residues 197-217): AGIKTDVTIM[Glu207Lys]YEGHALSLLK

ClinVar aggregate classification (germline): Uncertain significance (1 of 4 stars; one submission).

Allele frequency attached by ClinVar (database versions not stated): gnomAD 0.00001; ExAC 0.00002; 1000 Genomes Project 30x 0.00016; 1000 Genomes Project 0.00020.
gnomAD v4.1: 3 of 1,610,130 alleles (0.00019%); highest among the groups gnomAD compares: East Asian, 0.0067%; no homozygotes.

Submission:

Labcorp Genetics (formerly Invitae), Labcorp
Classification: Uncertain significance. Last evaluated: 2022-02-22. Review status: criteria provided, single submitter. Criteria: Invitae Variant Classification Sherloc (09022015). Collection method: clinical testing. Allele origin: germline.
Comment: This sequence change replaces glutamic acid, which is acidic and polar, with lysine, which is basic and polar, at codon 207 of the CERKL protein (p.Glu207Lys). This variant is present in population databases (rs148109138, gnomAD 0.01%). This variant has not been reported in the literature in individuals affected with CERKL-related conditions. Algorithms developed to predict the effect of missense changes on protein structure and function are either unavailable or do not agree on the potential impact of this missense change (SIFT: "Tolerated"; PolyPhen-2: "Possibly Damaging"; Align-GVGD: "Class C0"). In summary, the available evidence is currently insufficient to determine the role of this variant in disease. Therefore, it has been classified as a Variant of Uncertain Significance.